The following is an entry in ClinVar:

ClinVar aggregate classification (germline): Uncertain significance (1 of 4 stars; one submission).

Conditions:
Aortic valve disease 2 (AOVD2). Identifiers: MedGen C3542024, MONDO:0013902, OMIM 614823.

gnomAD v4.1: 2 of 1,562,158 alleles (0.00013%); highest among the groups gnomAD compares: Non-Finnish European, 0.00017%; no homozygotes.

Submission:

Labcorp Genetics (formerly Invitae), Labcorp
Classification: Uncertain significance for Aortic valve disease 2. Last evaluated: 2021-01-10. Review status: criteria provided, single submitter. Criteria: Invitae Variant Classification Sherloc (09022015). Collection method: clinical testing. Allele origin: germline.
Comment: Nucleotide substitutions within the consensus splice site are a relatively common cause of aberrant splicing (PMID: 17576681, 9536098). Algorithms developed to predict the effect of sequence changes on RNA splicing suggest that this variant may disrupt the consensus splice site, but this prediction has not been confirmed by published transcriptional studies. This sequence change falls in intron 3 of the SMAD6 gene. It does not directly change the encoded amino acid sequence of the SMAD6 protein, but it affects a nucleotide within the consensus splice site of the intron. This variant is not present in population databases (ExAC no frequency). This variant has not been reported in the literature in individuals with SMAD6-related conditions. In summary, the available evidence is currently insufficient to determine the role of this variant in disease. Therefore, it has been classified as a Variant of Uncertain Significance.

Literature cited by the submitters: PubMed 17576681; PubMed 9536098.

NM_005585.5(SMAD6):c.953-2A>G

Gene: SMAD6 (SMAD family member 6; plus strand). Cytogenetic location: 15q22.31.
Variant type: single nucleotide variant.
Coding change: c.953-2A>G on transcript NM_005585.5 (MANE Select); the canonical splice acceptor site of the intron before coding-DNA position 953, A replaced by G.
Molecular consequence: splice acceptor variant.
Genome position (GRCh38, 1-based): chr15:66,780,995, A>G. VCF-style: chr15-66780995-A-G. GRCh37 (hg19) VCF-style: chr15-67073333-A-G.
Identifiers: ClinVar variation 1024770 (VCV001024770.9), dbSNP rs1016515449, ClinGen allele CA393201536.
Genomic context (GRCh38, chr15:66,780,995, plus strand): 5'-TCCTCGGTGCCTCCCACCTCCCCACCCAGAATAACGCGGCGGTCCCTGTGCTTGTCCCGC[A>G]GACGCCAGCATGTCTCCGGACGCCACCAAGCCGAGCCACTGGTGCAGCGTGGCGTACTGG-3'